The following is an entry in ClinVar:

NM_004407.4(DMP1):c.55-2A>T

Genes: DMP1 (dentin matrix acidic phosphoprotein 1; plus strand), DMP1-AS1 (DMP1 and DSPP antisense RNA 1; minus strand). Cytogenetic location: 4q22.1.
Variant type: single nucleotide variant.
Coding change: c.55-2A>T on transcript NM_004407.4 (MANE Select); the canonical splice acceptor site of the intron before coding-DNA position 55, A replaced by T.
Molecular consequence: splice acceptor variant.
Genome position (GRCh38, 1-based): chr4:87,657,030, A>T. VCF-style: chr4-87657030-A-T. GRCh37 (hg19) VCF-style: chr4-88578182-A-T.
Other names: c.55-2A>T (NM_001079911.3).
Identifiers: ClinVar variation 3655799 (VCV003655799.2).

ClinVar aggregate classification (germline): Pathogenic (1 of 4 stars; one submission).

Submission:

Labcorp Genetics (formerly Invitae), Labcorp
Classification: Pathogenic. Last evaluated: 2024-06-06. Review status: criteria provided, single submitter. Criteria: Invitae Variant Classification Sherloc (09022015). Collection method: clinical testing. Allele origin: germline.
Comment: This sequence change affects an acceptor splice site in intron 2 of the DMP1 gene. It is expected to disrupt RNA splicing. Variants that disrupt the donor or acceptor splice site typically lead to a loss of protein function (PMID: 16199547), and loss-of-function variants in DMP1 are known to be pathogenic (PMID: 16294270, 17033621, 19007919). This variant is not present in population databases (gnomAD no frequency). Disruption of this splice site has been observed in individual(s) with autosomal recessive hypophosphatemic rickets (PMID: 17033625). It has also been observed to segregate with disease in related individuals. Algorithms developed to predict the effect of sequence changes on RNA splicing suggest that this variant may disrupt the consensus splice site. For these reasons, this variant has been classified as Pathogenic.

Literature cited by the submitters: PubMed 16199547; PubMed 16294270; PubMed 17033621; PubMed 19007919; PubMed 17033625.